The following is an entry in ClinVar:

NM_005219.5(DIAPH1):c.2061C>G (p.Ile687Met)

Gene: DIAPH1 (diaphanous related formin 1; minus strand). Cytogenetic location: 5q31.3.
Variant type: single nucleotide variant.
Coding change: c.2061C>G on transcript NM_005219.5 (MANE Select); coding-DNA position 2061, C replaced by G.
Protein change: p.Ile687Met; replaces isoleucine 687 with methionine.
Molecular consequence: missense variant.
Genome position (GRCh38, 1-based): chr5:141,573,789, G>C on the plus strand (C>G on the coding strand, the complement: DIAPH1 is on the minus strand). VCF-style: chr5-141573789-G-C. GRCh37 (hg19) VCF-style: chr5-140953356-G-C.
Other names: c.2034C>G, p.Ile678Met (NM_001079812.3); c.2061C>G, p.Ile687Met (NM_001314007.2); short protein forms I678M, I687M.
Identifiers: ClinVar variation 1418887 (VCV001418887.8), dbSNP rs1436744741, ClinGen allele CA361518611.

ClinVar aggregate classification (germline): Uncertain significance (1 of 4 stars; one submission).

Conditions:
Autosomal dominant nonsyndromic hearing loss 1. Also called: KONIGSMARK SYNDROME; DEAFNESS, AUTOSOMAL DOMINANT 1, WITH OR WITHOUT THROMBOCYTOPENIA. Identifiers: Orphanet 90635, MedGen C1852282, MONDO:0007424, OMIM 124900.
Progressive microcephaly-seizures-cortical blindness-developmental delay syndrome. Also called: Seizures, cortical blindness, and microcephaly syndrome. Identifiers: Orphanet 477814, MedGen C5567650, MONDO:0014714, OMIM 616632.

gnomAD v4.1: 1 of 1,013,780 alleles (0.000099%); highest among the groups gnomAD compares: Non-Finnish European, 0.00013%; no homozygotes.

Submission:

Labcorp Genetics (formerly Invitae), Labcorp
Classification: Uncertain significance for Progressive microcephaly-seizures-cortical blindness-developmental delay syndrome; Autosomal dominant nonsyndromic hearing loss 1. Last evaluated: 2021-04-02. Review status: criteria provided, single submitter. Criteria: Invitae Variant Classification Sherloc (09022015). Collection method: clinical testing. Allele origin: germline.
Comment: Algorithms developed to predict the effect of missense changes on protein structure and function are either unavailable or do not agree on the potential impact of this missense change (SIFT: "Deleterious"; PolyPhen-2: "Not Available"; Align-GVGD: "Class C0"). In summary, the available evidence is currently insufficient to determine the role of this variant in disease. Therefore, it has been classified as a Variant of Uncertain Significance. This variant has not been reported in the literature in individuals with DIAPH1-related conditions. This sequence change replaces isoleucine with methionine at codon 687 of the DIAPH1 protein (p.Ile687Met). The isoleucine residue is weakly conserved and there is a small physicochemical difference between isoleucine and methionine. The frequency data for this variant in the population databases is considered unreliable, as metrics indicate insufficient coverage at this position in the ExAC database.